The following is an entry in ClinVar:

ClinVar aggregate classification (germline): Uncertain significance (1 of 4 stars; one submission).

Conditions:
Hyperaldosteronism, familial, type IV (HALD4). Also called: FH IV; ALDOSTERONISM, PRIMARY, AND HYPERTENSION. Identifiers: Orphanet 642671, MedGen C4310756, MONDO:0014875, OMIM 617027.
Idiopathic generalized epilepsy. Also called: EIG; Generalised epilepsy. Identifiers: MedGen C0270850, MONDO:0005579, OMIM 600669.

Allele frequency attached by ClinVar (database versions not stated): TOPMed 0.00002; gnomAD exomes 0.00003.
gnomAD v4.1: 35 of 1,389,864 alleles (0.0025%); highest among the groups gnomAD compares: Non-Finnish European, 0.0032%; no homozygotes.

Submission:

Labcorp Genetics (formerly Invitae), Labcorp
Classification: Uncertain significance for Idiopathic generalized epilepsy; Hyperaldosteronism, familial, type IV. Last evaluated: 2024-12-03. Review status: criteria provided, single submitter. Criteria: Invitae Variant Classification Sherloc (09022015). Collection method: clinical testing. Allele origin: germline.
Comment: This sequence change replaces serine, which is neutral and polar, with phenylalanine, which is neutral and non-polar, at codon 44 of the CACNA1H protein (p.Ser44Phe). This variant is not present in population databases (gnomAD no frequency). This variant has not been reported in the literature in individuals affected with CACNA1H-related conditions. ClinVar contains an entry for this variant (Variation ID: 648465). Invitae Evidence Modeling of protein sequence and biophysical properties (such as structural, functional, and spatial information, amino acid conservation, physicochemical variation, residue mobility, and thermodynamic stability) indicates that this missense variant is not expected to disrupt CACNA1H protein function with a negative predictive value of 95%. In summary, the available evidence is currently insufficient to determine the role of this variant in disease. Therefore, it has been classified as a Variant of Uncertain Significance.

NM_021098.3(CACNA1H):c.131C>T (p.Ser44Phe)

Gene: CACNA1H (calcium voltage-gated channel subunit alpha1 H; plus strand). Cytogenetic location: 16p13.3.
Variant type: single nucleotide variant.
Coding change: c.131C>T on transcript NM_021098.3 (MANE Select); coding-DNA position 131, C replaced by T.
Protein change: p.Ser44Phe; replaces serine 44 with phenylalanine.
Molecular consequence: missense variant.
Genome position (GRCh38, 1-based): chr16:1,153,868, C>T. VCF-style: chr16-1153868-C-T. GRCh37 (hg19) VCF-style: chr16-1203868-C-T.
Other names: c.131C>T, p.Ser44Phe (NM_001005407.2); short protein forms S44F.
Identifiers: ClinVar variation 648465 (VCV000648465.8), dbSNP rs983437887, ClinGen allele CA394145618.